The following is an entry in ClinVar:

ClinVar aggregate classification (germline): Uncertain significance (1 of 4 stars; one submission).

Conditions:
Aicardi-Goutieres syndrome 7 (AGS7). Identifiers: Orphanet 51, MedGen C3888244, MONDO:0014367, OMIM 615846.
Singleton-Merten syndrome 1 (SGMRT1). Also called: Widened medullary cavities of bone, aortic calcification, abnormal dentition, and muscular weakness; Syndrome of widened medullary cavities of the metacarpals and phalanges, aortic calcification and abnormal dentition. Identifiers: Orphanet 85191, MedGen C4225427, MONDO:0024535, OMIM 182250.

Allele frequency attached by ClinVar (database versions not stated): gnomAD 0.00001; gnomAD exomes 0.00001 and below 0.00001; TOPMed 0.00001.
gnomAD v4.1: 9 of 1,612,974 alleles (0.00056%); highest among the groups gnomAD compares: African/African-American, 0.0013%; no homozygotes.

Submission:

Labcorp Genetics (formerly Invitae), Labcorp
Classification: Uncertain significance for Aicardi-Goutieres syndrome 7; Singleton-Merten syndrome 1. Last evaluated: 2025-09-15. Review status: criteria provided, single submitter. Criteria: Invitae Variant Classification Sherloc (09022015). Collection method: clinical testing. Allele origin: germline.
Comment: This sequence change falls in intron 15 of the IFIH1 gene. It does not directly change the encoded amino acid sequence of the IFIH1 protein. It affects a nucleotide within the consensus splice site. This variant is present in population databases (no rsID available, gnomAD 0.0009%). This variant has not been reported in the literature in individuals affected with IFIH1-related conditions. This variant has been observed in at least one individual who was not affected with IFIH1-related conditions (internal data). ClinVar contains an entry for this variant (Variation ID: 1369620). Variants that disrupt the consensus splice site are a relatively common cause of aberrant splicing (PMID: 17576681, 9536098). Algorithms developed to predict the effect of sequence changes on RNA splicing suggest that this variant may disrupt the consensus splice site. In summary, the available evidence is currently insufficient to determine the role of this variant in disease. Therefore, it has been classified as a Variant of Uncertain Significance.

Literature cited by the submitters: PubMed 17576681; PubMed 9536098.

NM_022168.4(IFIH1):c.2898+5G>C

Gene: IFIH1 (interferon induced with helicase C domain 1; minus strand). Cytogenetic location: 2q24.2.
Variant type: single nucleotide variant.
Coding change: c.2898+5G>C on transcript NM_022168.4 (MANE Select); 5 bases into the intron after coding-DNA position 2898, G replaced by C.
Molecular consequence: intron variant.
Genome position (GRCh38, 1-based): chr2:162,267,474, C>G on the plus strand (G>C on the coding strand, the complement: IFIH1 is on the minus strand). VCF-style: chr2-162267474-C-G. GRCh37 (hg19) VCF-style: chr2-163123984-C-G.
Identifiers: ClinVar variation 1369620 (VCV001369620.6), dbSNP rs958493507, ClinGen allele CA59652371.